The following is an entry in ClinVar:

ClinVar aggregate classification (germline): Benign. Review status: criteria provided, multiple submitters, no conflicts (2 of 4 stars). 5 submissions from 5 submitters: Benign (3). 2 of the submissions do not count toward it. Last evaluated 2026-09-01.

Allele frequency attached by ClinVar (database versions not stated): 1000 Genomes Project 0.00240; 1000 Genomes Project 30x 0.00297; gnomAD exomes 0.00549; ExAC 0.00565; TOPMed 0.00574; gnomAD 0.00646 and 0.00667; ESP Exome Variant Server 0.00811.
gnomAD v4.1: 13,708 of 1,610,142 alleles (0.85%); highest among the groups gnomAD compares: Non-Finnish European, 1%; 92 homozygotes.

Submissions (5):

CeGaT Center for Human Genetics Tuebingen
Classification: Benign. Last evaluated: 2026-09-01. Review status: criteria provided, single submitter. Criteria: CeGaT Center For Human Genetics Tuebingen Variant Classification Criteria Version 2. Collection method: clinical testing. Allele origin: germline. Affected: yes. Observed: 31 variant alleles.
Comment: IFT74: BS1, BS2

Labcorp Genetics (formerly Invitae), Labcorp
Classification: Benign. Last evaluated: 2026-01-29. Review status: criteria provided, single submitter. Criteria: Invitae Variant Classification Sherloc (09022015). Collection method: clinical testing. Allele origin: germline.

Breakthrough Genomics
Classification: Benign. Review status: criteria provided, single submitter. Criteria: ACMG Guidelines, 2015. Collection method: not provided. Allele origin: germline. Inheritance: Autosomal recessive inheritance. Affected: yes.

Clinical Genetics, Academic Medical Center
Classification: Likely benign. Review status: no assertion criteria provided. Collection method: clinical testing. Allele origin: germline. Affected: yes. Study: VKGL Data-share Consensus. Not counted in ClinVar's aggregate classification.

Genome Diagnostics Laboratory, Amsterdam University Medical Center
Classification: Likely benign. Review status: no assertion criteria provided. Collection method: clinical testing. Allele origin: germline. Affected: yes. Study: VKGL Data-share Consensus. Not counted in ClinVar's aggregate classification.

NM_025103.4(IFT74):c.1735G>A (p.Val579Met)

Gene: IFT74 (intraflagellar transport 74; plus strand). Cytogenetic location: 9p21.2.
Variant type: single nucleotide variant.
Coding change: c.1735G>A on transcript NM_025103.4 (MANE Select); coding-DNA position 1735, G replaced by A.
Protein change: p.Val579Met; replaces valine 579 with methionine.
Molecular consequence: missense variant. On other transcripts: 3 prime UTR variant (1).
Genome position (GRCh38, 1-based): chr9:27,062,668, G>A. VCF-style: chr9-27062668-G-A. GRCh37 (hg19) VCF-style: chr9-27062666-G-A.
Other names: c.1735G>A, p.Val579Met (NM_001099222.3, NM_001099223.3); c.*671G>A (NM_001349928.2); short protein forms V579M.
Identifiers: ClinVar variation 779345 (VCV000779345.36), dbSNP rs138591335, ClinGen allele CA5015773.